The following is an entry in ClinVar:

ClinVar aggregate classification (germline): Uncertain significance (1 of 4 stars; one submission).

Allele frequency attached by ClinVar (database versions not stated): ExAC 0.00003; gnomAD 0.00003; TOPMed 0.00004.

Submission:

Labcorp Genetics (formerly Invitae), Labcorp
Classification: Uncertain significance. Last evaluated: 2023-01-19. Review status: criteria provided, single submitter. Criteria: Invitae Variant Classification Sherloc (09022015). Collection method: clinical testing. Allele origin: germline.
Comment: In summary, the available evidence is currently insufficient to determine the role of this variant in disease. Therefore, it has been classified as a Variant of Uncertain Significance. Algorithms developed to predict the effect of sequence changes on RNA splicing suggest that this variant may disrupt the consensus splice site. This variant has not been reported in the literature in individuals affected with NEDD4L-related conditions. The frequency data for this variant in the population databases is considered unreliable, as metrics indicate poor data quality at this position in the gnomAD database. This sequence change falls in intron 23 of the NEDD4L gene. It does not directly change the encoded amino acid sequence of the NEDD4L protein.

NM_001144967.3(NEDD4L):c.2352+11G>A

Gene: NEDD4L (NEDD4 like E3 ubiquitin protein ligase; plus strand). Cytogenetic location: 18q21.31.
Variant type: single nucleotide variant.
Coding change: c.2352+11G>A on transcript NM_001144967.3 (MANE Select); 11 bases into the intron after coding-DNA position 2352, G replaced by A.
Molecular consequence: intron variant.
Genome position (GRCh38, 1-based): chr18:58,373,280, G>A. VCF-style: chr18-58373280-G-A. GRCh37 (hg19) VCF-style: chr18-56040512-G-A.
Other names: c.2292+11G>A (NM_015277.6); c.2160+11G>A (NM_001243960.2); c.1989+11G>A (NM_001144964.1, NM_001144965.2, NM_001144966.3); c.1929+11G>A (NM_001144971.2, NM_001144970.3); c.2328+11G>A (NM_001144968.2); c.2268+11G>A (NM_001144969.2).
Identifiers: ClinVar variation 2725872 (VCV002725872.3), dbSNP rs746247008, ClinGen allele CA8975932.